The following is an entry in ClinVar:

NM_000138.5(FBN1):c.3921_3922del (p.Cys1307_Asp1308delinsTer)

Gene: FBN1 (fibrillin 1; minus strand). Cytogenetic location: 15q21.1.
Variant type: Microsatellite.
Coding change: c.3921_3922del on transcript NM_000138.5 (MANE Select); coding-DNA positions 3921 to 3922, 2 bases deleted (TG; older notation c.3921_3922delTG).
Protein change: p.Cys1307_Asp1308delinsTer.
Molecular consequence: nonsense.
Genome position (GRCh38, 1-based): chr15:48,481,697-48,481,698, CA deleted on the plus strand (TG on the coding strand, the reverse complement: FBN1 is on the minus strand); deleting any 2 consecutive bases within chr15:48,481,697-48,481,700 gives the same sequence; the c. name uses the placement nearest the transcript's 3' end. VCF-style (leftmost placement, unchanged base first): chr15-48481696-TCA-T. GRCh37 (hg19) VCF-style: chr15-48773893-TCA-T.
Other names: c.3921_3922del, p.Cys1307_Asp1308delinsTer (NM_001406716.1).
Identifiers: ClinVar variation 2949541 (VCV002949541.3), dbSNP rs2505533428, ClinGen allele CA2740096705.
Genomic context (GRCh38, chr15:48,481,696, plus strand): 5'-TCTACTTGAACAAACACACCTGTACAGCCAGTTTTTCCTTTTTTGCCGGAGTAGCCCATA[TCA>T]CAGTGGCAGATAAATGAGCCTTTCGTGTTTTCACAGGTCCCACTTAGGCAGATATTTGGA-3'

ClinVar aggregate classification (germline): Pathogenic (1 of 4 stars; one submission).

Conditions:
Marfan syndrome (MFS). Also called: MARFAN SYNDROME, TYPE I; Marfan syndrome type 1; Marfan's syndrome; Marfan syndrome, classic; FBN1-Related Marfan Syndrome. Identifiers: Orphanet 284963, Orphanet 558, MedGen C0024796, MONDO:0007947, OMIM 154700.
Familial thoracic aortic aneurysm and aortic dissection (TAAD). Also called: Thoracic aortic aneurysms and dissections. Identifiers: Orphanet 91387, MedGen C4707243, MONDO:0019625.

Submission:

Labcorp Genetics (formerly Invitae), Labcorp
Classification: Pathogenic for Marfan syndrome; Familial thoracic aortic aneurysm and aortic dissection. Last evaluated: 2023-07-03. Review status: criteria provided, single submitter. Criteria: Invitae Variant Classification Sherloc (09022015). Collection method: clinical testing. Allele origin: germline.
Comment: This variant has not been reported in the literature in individuals affected with FBN1-related conditions. This sequence change creates a premature translational stop signal (p.Cys1307*) in the FBN1 gene. It is expected to result in an absent or disrupted protein product. Loss-of-function variants in FBN1 are known to be pathogenic (PMID: 17657824, 19293843). This variant is not present in population databases (gnomAD no frequency). For these reasons, this variant has been classified as Pathogenic.

Literature cited by the submitters: PubMed 17657824; PubMed 19293843.